The following is an entry in ClinVar:

ClinVar aggregate classification (germline): Benign/Likely benign. Review status: criteria provided, multiple submitters, no conflicts (2 of 4 stars). 4 submissions from 4 submitters: Benign (1); Likely benign (2). 1 of the submissions does not count toward it. Last evaluated 2025-09-09.

Conditions:
GRIN2B-related disorder. Also called: GRIN2B-related condition.
Intellectual developmental disorder, autosomal dominant 6, with or without seizures. Also called: Intellectual disability, autosomal dominant 6; GRIN2B-related developmental delay, intellectual disability and autism spectrum disorder. Identifiers: Orphanet 589547, MedGen C3151411, MONDO:0013509, OMIM 613970.
Developmental and epileptic encephalopathy, 27 (DEE27). Also called: Epileptic encephalopathy, early infantile, 27; GRIN2B-Related Neurodevelopmental Disorder. Identifiers: Orphanet 3451, MedGen C4015316, MONDO:0014505, OMIM 616139.

Allele frequency attached by ClinVar (database versions not stated): gnomAD exomes 0.00004; ExAC 0.00008; TOPMed 0.00018; gnomAD 0.00021 and 0.00024; ESP Exome Variant Server 0.00023.
gnomAD v4.1: 59 of 1,613,504 alleles (0.0037%); highest among the groups gnomAD compares: African/African-American, 0.065%; no homozygotes.

Submissions (4):

Labcorp Genetics (formerly Invitae), Labcorp
Classification: Likely benign for Developmental and epileptic encephalopathy, 27; Intellectual developmental disorder, autosomal dominant 6, with or without seizures. Last evaluated: 2025-09-09. Review status: criteria provided, single submitter. Criteria: Invitae Variant Classification Sherloc (09022015). Collection method: clinical testing. Allele origin: germline.

Fulgent Genetics
Classification: Likely benign for Intellectual developmental disorder, autosomal dominant 6, with or without seizures; Developmental and epileptic encephalopathy, 27. Last evaluated: 2021-12-01. Review status: criteria provided, single submitter. Criteria: ACMG Guidelines, 2015. Collection method: clinical testing. Allele origin: unknown.

GeneDx
Classification: Benign. Last evaluated: 2019-06-25. Review status: criteria provided, single submitter. Criteria: GeneDx Variant Classification Process June 2021. Collection method: clinical testing. Allele origin: germline. Affected: yes.

PreventionGenetics, part of Exact Sciences
Classification: Likely benign for GRIN2B-related condition. Last evaluated: 2024-05-18. Review status: no assertion criteria provided. Collection method: clinical testing. Allele origin: germline. Not counted in ClinVar's aggregate classification.
Comment: This variant is classified as likely benign based on ACMG/AMP sequence variant interpretation guidelines (Richards et al. 2015 PMID: 25741868, with internal and published modifications).

NM_000834.5(GRIN2B):c.3549G>A (p.Thr1183=)

Gene: GRIN2B (glutamate ionotropic receptor NMDA type subunit 2B; minus strand). Cytogenetic location: 12p13.1.
Variant type: single nucleotide variant.
Coding change: c.3549G>A on transcript NM_000834.5 (MANE Select); coding-DNA position 3549, G replaced by A.
Protein change: p.Thr1183=; no amino-acid change (threonine 1183 retained).
Molecular consequence: synonymous variant.
Genome position (GRCh38, 1-based): chr12:13,563,689, C>T on the plus strand (G>A on the coding strand, the complement: GRIN2B is on the minus strand). VCF-style: chr12-13563689-C-T. GRCh37 (hg19) VCF-style: chr12-13716623-C-T.
Identifiers: ClinVar variation 245953 (VCV000245953.14), dbSNP rs201568782, ClinGen allele CA6460878.